The following is an entry in ClinVar:

ClinVar aggregate classification (germline): Uncertain significance. Review status: criteria provided, multiple submitters, no conflicts (2 of 4 stars). 2 submissions from 2 submitters: Uncertain significance (2). Last evaluated 2024-12-23.

Conditions:
Renal cell carcinoma. Identifiers: Orphanet 217071, MedGen C0007134, MeSH D002292, MONDO:0005086, HP:0005584.
Hereditary cancer-predisposing syndrome. Also called: Hereditary Cancer Syndrome; Hereditary neoplastic syndrome; Neoplastic Syndromes, Hereditary; Tumor predisposition. Identifiers: Orphanet 140162, MedGen C0027672, MeSH D009386, MONDO:0015356.

Submissions (2):

Labcorp Genetics (formerly Invitae), Labcorp
Classification: Uncertain significance for Renal cell carcinoma. Last evaluated: 2024-12-23. Review status: criteria provided, single submitter. Criteria: Invitae Variant Classification Sherloc (09022015). Collection method: clinical testing. Allele origin: germline.
Comment: This sequence change replaces proline, which is neutral and non-polar, with threonine, which is neutral and polar, at codon 1155 of the MET protein (p.Pro1155Thr). This variant is not present in population databases (gnomAD no frequency). This variant has not been reported in the literature in individuals affected with MET-related conditions. ClinVar contains an entry for this variant (Variation ID: 1922260). Invitae Evidence Modeling of protein sequence and biophysical properties (such as structural, functional, and spatial information, amino acid conservation, physicochemical variation, residue mobility, and thermodynamic stability) indicates that this missense variant is not expected to disrupt MET protein function with a negative predictive value of 80%. In summary, the available evidence is currently insufficient to determine the role of this variant in disease. Therefore, it has been classified as a Variant of Uncertain Significance.

Ambry Genetics
Classification: Uncertain significance for Hereditary cancer-predisposing syndrome. Last evaluated: 2024-01-15. Review status: criteria provided, single submitter. Criteria: Ambry Variant Classification Scheme 2023. Collection method: clinical testing. Allele origin: germline.
Comment: The p.P1155T variant (also known as c.3463C>A), located in coding exon 16 of the MET gene, results from a C to A substitution at nucleotide position 3463. The proline at codon 1155 is replaced by threonine, an amino acid with highly similar properties. This amino acid position is conserved. In addition, this alteration is predicted to be tolerated by in silico analysis. Since supporting evidence is limited at this time, the clinical significance of this alteration remains unclear.

NM_000245.4(MET):c.3409C>A (p.Pro1137Thr)

Gene: MET (MET proto-oncogene, receptor tyrosine kinase; plus strand). Cytogenetic location: 7q31.2.
Variant type: single nucleotide variant.
Coding change: c.3409C>A on transcript NM_000245.4 (MANE Select); coding-DNA position 3409, C replaced by A.
Protein change: p.Pro1137Thr; replaces proline 1137 with threonine.
Molecular consequence: missense variant.
Genome position (GRCh38, 1-based): chr7:116,778,844, C>A. VCF-style: chr7-116778844-C-A. GRCh37 (hg19) VCF-style: chr7-116418898-C-A.
Other names: c.3463C>A, p.Pro1155Thr (NM_001127500.3); c.2119C>A, p.Pro707Thr (NM_001324402.2); short protein forms P1137T, P707T, P1155T.
Identifiers: ClinVar variation 1922260 (VCV001922260.6), dbSNP rs2117046235, ClinGen allele CA368990094.